The following is an entry in ClinVar:

NM_000238.4(KCNH2):c.1945+1G>C

Gene: KCNH2 (potassium voltage-gated channel subfamily H member 2; minus strand). Cytogenetic location: 7q36.1.
Variant type: single nucleotide variant.
Coding change: c.1945+1G>C on transcript NM_000238.4 (MANE Select); the canonical splice donor site of the intron after coding-DNA position 1945, G replaced by C.
Molecular consequence: splice donor variant.
Genome position (GRCh38, 1-based): chr7:150,951,447, C>G on the plus strand (G>C on the coding strand, the complement: KCNH2 is on the minus strand). VCF-style: chr7-150951447-C-G. GRCh37 (hg19) VCF-style: chr7-150648535-C-G.
Other names: c.1657+1G>C (NM_001406753.1, NM_001406756.1); c.925+1G>C (NM_172057.3, NM_001204798.2); c.1945+1G>C (NM_172056.3); c.1768+1G>C (NM_001406755.1); c.1645+1G>C (NM_001406757.1).
Identifiers: ClinVar variation 2452993 (VCV002452993.2), dbSNP rs794728487, ClinGen allele CA369857799.

ClinVar aggregate classification (germline): Likely pathogenic (1 of 4 stars; one submission).

Conditions:
Cardiovascular phenotype. Identifiers: MedGen CN230736.

Submission:

Ambry Genetics
Classification: Likely pathogenic for Cardiovascular phenotype. Last evaluated: 2022-12-30. Review status: criteria provided, single submitter. Criteria: Ambry Variant Classification Scheme 2023. Collection method: clinical testing. Allele origin: germline.
Comment: The c.1945+1G>C intronic variant results from a G to C substitution one nucleotide after coding exon 7 of the KCNH2 gene. This variant is considered to be rare based on population cohorts in the Genome Aggregation Database (gnomAD). This nucleotide position is highly conserved in available vertebrate species. In silico splice site analysis predicts that this alteration will weaken the native splice donor site. Alterations that disrupt the canonical splice site are expected to cause aberrant splicing, resulting in an abnormal protein or a transcript that is subject to nonsense-mediated mRNA decay. As such, this alteration is classified as likely pathogenic.